The following is an entry in ClinVar:

ClinVar aggregate classification (germline): Pathogenic (1 of 4 stars; one submission).

Conditions:
Sphingolipid activator protein 1 deficiency. Also called: METACHROMATIC LEUKODYSTROPHY DUE TO CEREBROSIDE SULFATASE ACTIVATOR DEFICIENCY; Metachromatic leukodystrophy due to saposin B deficiency; Saposin B Deficiency. Identifiers: Orphanet 512, MedGen C0268262, MONDO:0009590, OMIM 249900.

Submission:

Labcorp Genetics (formerly Invitae), Labcorp
Classification: Pathogenic for Sphingolipid activator protein 1 deficiency. Last evaluated: 2021-08-24. Review status: criteria provided, single submitter. Criteria: Invitae Variant Classification Sherloc (09022015). Collection method: clinical testing. Allele origin: germline.
Comment: For these reasons, this variant has been classified as Pathogenic. This sequence change creates a premature translational stop signal (p.Gly28Alafs*9) in the PSAP gene. It is expected to result in an absent or disrupted protein product. Loss-of-function variants in PSAP are known to be pathogenic (PMID: 8554069, 11309366, 17616409, 19267410, 30632081). This variant is not present in population databases (ExAC no frequency). This variant has not been reported in the literature in individuals affected with PSAP-related conditions.

Literature cited by the submitters: PubMed 8554069; PubMed 11309366; PubMed 17616409; PubMed 19267410; PubMed 30632081.

NM_002778.4(PSAP):c.83del (p.Gly28fs)

Gene: PSAP (prosaposin; minus strand). Cytogenetic location: 10q22.1.
Variant type: Deletion.
Coding change: c.83del on transcript NM_002778.4 (MANE Select); coding-DNA position 83, one base deleted (G; older notation c.83delG).
Protein change: p.Gly28fs; shifts the reading frame from glycine 28.
Molecular consequence: frameshift variant.
Genome position (GRCh38, 1-based): chr10:71,834,463, C deleted on the plus strand (G on the coding strand, the reverse complement: PSAP is on the minus strand); the first of 4 consecutive C bases (chr10:71,834,463-71,834,466); deleting any one gives the same sequence. VCF-style (leftmost placement, unchanged base first): chr10-71834462-GC-G. GRCh37 (hg19) VCF-style: chr10-73594219-GC-G.
Other names: c.83del, p.Gly28fs (NM_001042465.3, NM_001042466.3); short protein forms G28fs.
Identifiers: ClinVar variation 1382238 (VCV001382238.6), dbSNP rs2133053013, ClinGen allele CA2573145300.